The following is an entry in ClinVar:

NM_000256.3(MYBPC3):c.2555dup (p.Gly853fs)

Gene: MYBPC3 (myosin binding protein C3; minus strand). Cytogenetic location: 11p11.2.
Variant type: Duplication.
Coding change: c.2555dup on transcript NM_000256.3 (MANE Select); coding-DNA position 2555, one base duplicated (T; older notation c.2555dupT).
Protein change: p.Gly853fs; shifts the reading frame from glycine 853.
Molecular consequence: frameshift variant.
Genome position (GRCh38, 1-based): chr11:47,337,438, A duplicated on the plus strand (T on the coding strand, the reverse complement: MYBPC3 is on the minus strand). VCF-style (leftmost placement, unchanged base first): chr11-47337437-G-GA. GRCh37 (hg19) VCF-style: chr11-47358988-G-GA.
Other names: c.2555dupT (NM_000256.3); short protein forms G853fs.
Identifiers: ClinVar variation 2506163 (VCV002506163.4), dbSNP rs752104988, ClinGen allele CA5975364.

ClinVar aggregate classification (germline): Pathogenic. Review status: criteria provided, multiple submitters, no conflicts (2 of 4 stars). 4 submissions from 4 submitters: Pathogenic (4). Last evaluated 2025-06-02.

Conditions:
Cardiomyopathy (CMYO). Also called: Cardiomyopathies. Identifiers: Orphanet 167848, MedGen C0878544, MONDO:0004994, HP:0001638. Inheritance: Various modes of inheritance.
MYBPC3-related disorder. Also called: MYBPC3-related disorders; MYBPC3-related condition; MYBPC3-related disease.
Hypertrophic cardiomyopathy. Also called: HYPERTROPHIC MYOCARDIOPATHY. Identifiers: Orphanet 217569, MedGen C0007194, MeSH D002312, MONDO:0005045, HP:0001639.

Allele frequency attached by ClinVar (database versions not stated): gnomAD exomes below 0.00001; ExAC 0.00001.

Submissions (4):

Clinical Genetics Laboratory, Skane University Hospital Lund
Classification: Pathogenic for Hypertrophic cardiomyopathy. Last evaluated: 2025-06-02. Review status: criteria provided, single submitter. Criteria: ACMG Guidelines, 2015. Collection method: clinical testing. Allele origin: germline. Affected: yes.
Comment: PVS1, PS4_Supporting, PM2_Supporting

Blueprint Genetics
Classification: Pathogenic for MYBPC3-related disorders. Last evaluated: 2023-10-13. Review status: criteria provided, single submitter. Criteria: ACMG Guidelines, 2015. Collection method: clinical testing. Allele origin: germline. Affected: yes. Observed: 5 variant alleles.

Women's Health and Genetics/Laboratory Corporation of America, LabCorp
Classification: Pathogenic for Cardiomyopathy. Last evaluated: 2023-05-18. Review status: criteria provided, single submitter. Criteria: LabCorp Variant Classification Summary - May 2015. Collection method: clinical testing. Allele origin: germline.
Comment: Variant summary: MYBPC3 c.2555dupT (p.Gly853ArgfsX31) results in a premature termination codon, predicted to cause a truncation of the encoded protein or absence of the protein due to nonsense mediated decay, which are commonly known mechanisms for disease. Variants downstream of this position have been classified as pathogenic by our laboratory. The variant allele was found at a frequency of 1.2e-05 in 245894 control chromosomes. To our knowledge, no occurrence of c.2555dupT by itself in individuals affected with Cardiomyopathy and no experimental evidence demonstrating its impact on protein function have been reported. No clinical diagnostic laboratories have submitted clinical-significance assessments for this variant to ClinVar after 2014. However, this variant has been reported in combination with c.2557G>T and classified as pathogenic. Based on the evidence outlined above, the variant was classified as pathogenic.

Laboratory for Molecular Medicine, Mass General Brigham Personalized Medicine
Classification: Pathogenic for Hypertrophic cardiomyopathy. Last evaluated: 2017-05-12. Review status: criteria provided, single submitter. Criteria: ACMG Guidelines, 2015. Collection method: clinical testing. Allele origin: germline.
Comment: The p.Gly853fs variant in MYBPC3 has been identified in 1 individual with HCM (Van Driest 2004) and was absent from large population studies. This variant is predicted to cause a frameshift, which alters the protein’s amino acid sequence beginning at position 853 and leads to a premature termination codon 31 amino acids downstream. This alteration is then predicted to lead to a truncated or absent protein. Heterozygous loss of function of the MYBPC3 gene is an established disease mechanism in individuals with HCM. In summary, this variant meets criteria to be classified as pathogenic.

Literature cited by the submitters: PubMed 15519027 (cited by Laboratory for Molecular Medicine, Mass General Brigham Personalized Medicine).